The following is an entry in ClinVar:

ClinVar aggregate classification (germline): Uncertain significance (1 of 4 stars; one submission).

Conditions:
Multiple endocrine neoplasia, type 2 (MEN2). Identifiers: Orphanet 653, MedGen C4048306, MONDO:0019003. Disease mechanism: gain of function.

Submission:

Labcorp Genetics (formerly Invitae), Labcorp
Classification: Uncertain significance for Multiple endocrine neoplasia, type 2. Last evaluated: 2025-03-16. Review status: criteria provided, single submitter. Criteria: Invitae Variant Classification Sherloc (09022015). Collection method: clinical testing. Allele origin: germline.
Comment: This sequence change replaces arginine, which is basic and polar, with lysine, which is basic and polar, at codon 494 of the RET protein (p.Arg494Lys). This variant is not present in population databases (gnomAD no frequency). This variant has not been reported in the literature in individuals affected with RET-related conditions. ClinVar contains an entry for this variant (Variation ID: 2118080). An algorithm developed to predict the effect of missense changes on protein structure and function outputs the following: PolyPhen-2: "Benign". The lysine amino acid residue is found in multiple mammalian species, which suggests that this missense change does not adversely affect protein function. In summary, the available evidence is currently insufficient to determine the role of this variant in disease. Therefore, it has been classified as a Variant of Uncertain Significance.

NM_020975.6(RET):c.1481G>A (p.Arg494Lys)

Gene: RET (ret proto-oncogene; plus strand). Cytogenetic location: 10q11.21.
Variant type: single nucleotide variant.
Coding change: c.1481G>A on transcript NM_020975.6 (MANE Select); coding-DNA position 1481, G replaced by A.
Protein change: p.Arg494Lys; replaces arginine 494 with lysine.
Molecular consequence: missense variant.
Genome position (GRCh38, 1-based): chr10:43,111,424, G>A. VCF-style: chr10-43111424-G-A. GRCh37 (hg19) VCF-style: chr10-43606872-G-A.
Other names: c.1481G>A, p.Arg494Lys (NM_000323.2, NM_001406743.1, NM_001406744.1 and 6 more transcripts); c.719G>A, p.Arg240Lys (NM_001355216.2); c.1193G>A, p.Arg398Lys (NM_001406770.1, NM_001406766.1, NM_001406767.1); c.1043G>A, p.Arg348Lys (NM_001406771.1, NM_001406773.1); c.1085G>A, p.Arg362Lys (NM_001406772.1, NM_001406769.1); c.956G>A, p.Arg319Lys (NM_001406774.1); c.755G>A, p.Arg252Lys (NM_001406775.1, NM_001406776.1, NM_001406777.1 and 1 more transcripts); c.491G>A, p.Arg164Lys (NM_001406784.1); and 1 more; short protein forms R252K, R348K, R319K, R451K, R494K, R164K, R240K, R362K.
Identifiers: ClinVar variation 2118080 (VCV002118080.4), dbSNP rs2132775582, ClinGen allele CA376549869.